The following is an entry in ClinVar:

ClinVar aggregate classification (germline): Uncertain significance. Review status: criteria provided, multiple submitters, no conflicts (2 of 4 stars). 3 submissions from 3 submitters: Uncertain significance (3). Last evaluated 2023-09-13.

Conditions:
Inborn genetic diseases. Identifiers: MedGen C0950123, MeSH D030342.
Maple syrup urine disease (MSUD). Identifiers: Orphanet 511, MedGen C0024776, MeSH D008375, MONDO:0009563. Disease mechanism: loss of function.

Allele frequency attached by ClinVar (database versions not stated): ExAC 0.00001; gnomAD 0.00001; gnomAD exomes 0.00001; TOPMed 0.00001.

Submissions (3):

Ambry Genetics
Classification: Uncertain significance for Inborn genetic diseases. Last evaluated: 2023-09-13. Review status: criteria provided, single submitter. Criteria: Ambry Variant Classification Scheme 2023. Collection method: clinical testing. Allele origin: germline.

Labcorp Genetics (formerly Invitae), Labcorp
Classification: Uncertain significance for Maple syrup urine disease. Last evaluated: 2022-06-27. Review status: criteria provided, single submitter. Criteria: Invitae Variant Classification Sherloc (09022015). Collection method: clinical testing. Allele origin: germline.
Comment: This sequence change replaces arginine, which is basic and polar, with glutamine, which is neutral and polar, at codon 285 of the BCKDHB protein (p.Arg285Gln). This variant is present in population databases (rs761827220, gnomAD 0.002%). This variant has not been reported in the literature in individuals affected with BCKDHB-related conditions. ClinVar contains an entry for this variant (Variation ID: 1195925). Algorithms developed to predict the effect of missense changes on protein structure and function (SIFT, PolyPhen-2, Align-GVGD) all suggest that this variant is likely to be tolerated. In summary, the available evidence is currently insufficient to determine the role of this variant in disease. Therefore, it has been classified as a Variant of Uncertain Significance.

Genome-Nilou Lab
Classification: Uncertain significance for Maple syrup urine disease type 1A. Last evaluated: 2021-07-14. Review status: criteria provided, single submitter. Criteria: ACMG Guidelines, 2015. Collection method: clinical testing. Allele origin: germline. Affected: no.

NM_183050.4(BCKDHB):c.854G>A (p.Arg285Gln)

Gene: BCKDHB (branched chain keto acid dehydrogenase E1 subunit beta; plus strand). Cytogenetic location: 6q14.1.
Variant type: single nucleotide variant.
Coding change: c.854G>A on transcript NM_183050.4 (MANE Select); coding-DNA position 854, G replaced by A.
Protein change: p.Arg285Gln; replaces arginine 285 with glutamine.
Molecular consequence: missense variant. On other transcripts: non-coding transcript variant (1).
Genome position (GRCh38, 1-based): chr6:80,203,115, G>A. VCF-style: chr6-80203115-G-A. GRCh37 (hg19) VCF-style: chr6-80912832-G-A.
Other names: c.854G>A (NM_183050.2); c.854G>A, p.Arg285Gln (NM_000056.5); c.644G>A, p.Arg215Gln (NM_001318975.1); short protein forms R215Q, R285Q.
Identifiers: ClinVar variation 1195925 (VCV001195925.7), dbSNP rs761827220, ClinGen allele CA3902786.